The following is an entry in ClinVar:

NM_004369.4(COL6A3):c.7603G>T (p.Asp2535Tyr)

Gene: COL6A3 (collagen type VI alpha 3 chain; minus strand). Cytogenetic location: 2q37.3.
Variant type: single nucleotide variant.
Coding change: c.7603G>T on transcript NM_004369.4 (MANE Select); coding-DNA position 7603, G replaced by T.
Protein change: p.Asp2535Tyr; replaces aspartic acid 2535 with tyrosine.
Molecular consequence: missense variant.
Genome position (GRCh38, 1-based): chr2:237,344,415, C>A on the plus strand (G>T on the coding strand, the complement: COL6A3 is on the minus strand). VCF-style: chr2-237344415-C-A. GRCh37 (hg19) VCF-style: chr2-238253058-C-A.
Other names: c.5782G>T, p.Asp1928Tyr (NM_057166.5); c.6985G>T, p.Asp2329Tyr (NM_057167.4); short protein forms D2535Y, D1928Y, D2329Y.
Identifiers: ClinVar variation 1509802 (VCV001509802.6), dbSNP rs2106324714, ClinGen allele CA351201845.

ClinVar aggregate classification (germline): Uncertain significance (1 of 4 stars; one submission).

Conditions:
Bethlem myopathy 1A. Also called: MYOPATHY, BENIGN CONGENITAL, WITH CONTRACTURES; Bethlem myopathy 1; Bethlem Muscular Dystrophy. Identifiers: Orphanet 610, MedGen CN029274, MONDO:0024530, OMIM 158810.

Submission:

Labcorp Genetics (formerly Invitae), Labcorp
Classification: Uncertain significance for Bethlem myopathy 1A. Last evaluated: 2022-06-20. Review status: criteria provided, single submitter. Criteria: Invitae Variant Classification Sherloc (09022015). Collection method: clinical testing. Allele origin: germline.
Comment: In summary, the available evidence is currently insufficient to determine the role of this variant in disease. Therefore, it has been classified as a Variant of Uncertain Significance. Advanced modeling of protein sequence and biophysical properties (such as structural, functional, and spatial information, amino acid conservation, physicochemical variation, residue mobility, and thermodynamic stability) performed at Invitae indicates that this missense variant is not expected to disrupt COL6A3 protein function. This variant has not been reported in the literature in individuals affected with COL6A3-related conditions. This variant is not present in population databases (gnomAD no frequency). This sequence change replaces aspartic acid, which is acidic and polar, with tyrosine, which is neutral and polar, at codon 2535 of the COL6A3 protein (p.Asp2535Tyr).